The following is an entry in ClinVar:

ClinVar aggregate classification (germline): Uncertain significance (1 of 4 stars; one submission).

Submission:

Labcorp Genetics (formerly Invitae), Labcorp
Classification: Uncertain significance. Last evaluated: 2024-10-17. Review status: criteria provided, single submitter. Criteria: Invitae Variant Classification Sherloc (09022015). Collection method: clinical testing. Allele origin: germline.
Comment: This sequence change replaces phenylalanine, which is neutral and non-polar, with leucine, which is neutral and non-polar, at codon 247 of the EDNRA protein (p.Phe247Leu). This variant is not present in population databases (gnomAD no frequency). This variant has not been reported in the literature in individuals affected with EDNRA-related conditions. An algorithm developed to predict the effect of missense changes on protein structure and function (PolyPhen-2) suggests that this variant is likely to be disruptive. In summary, the available evidence is currently insufficient to determine the role of this variant in disease. Therefore, it has been classified as a Variant of Uncertain Significance.

NM_001957.4(EDNRA):c.739T>C (p.Phe247Leu)

Gene: EDNRA (endothelin receptor type A; plus strand). Cytogenetic location: 4q31.23.
Variant type: single nucleotide variant.
Coding change: c.739T>C on transcript NM_001957.4 (MANE Select); coding-DNA position 739, T replaced by C.
Protein change: p.Phe247Leu; replaces phenylalanine 247 with leucine.
Molecular consequence: missense variant. On other transcripts: non-coding transcript variant (1), intron variant (1).
Genome position (GRCh38, 1-based): chr4:147,532,696, T>C. VCF-style: chr4-147532696-T-C. GRCh37 (hg19) VCF-style: chr4-148453848-T-C.
Other names: c.421-3181T>C (NM_001166055.2); short protein forms F247L.
Identifiers: ClinVar variation 3723185 (VCV003723185.2).